The following is an entry in ClinVar:

NM_004370.6(COL12A1):c.8387C>T (p.Pro2796Leu)

Gene: COL12A1 (collagen type XII alpha 1 chain; minus strand). Cytogenetic location: 6q13.
Variant type: single nucleotide variant.
Coding change: c.8387C>T on transcript NM_004370.6 (MANE Select); coding-DNA position 8387, C replaced by T.
Protein change: p.Pro2796Leu; replaces proline 2796 with leucine.
Molecular consequence: missense variant.
Genome position (GRCh38, 1-based): chr6:75,102,625, G>A on the plus strand (C>T on the coding strand, the complement: COL12A1 is on the minus strand). VCF-style: chr6-75102625-G-A. GRCh37 (hg19) VCF-style: chr6-75812341-G-A.
Other names: c.4895C>T, p.Pro1632Leu (NM_080645.3); short protein forms P1632L, P2796L.
Identifiers: ClinVar variation 2424096 (VCV002424096.11), dbSNP rs2533103490, ClinGen allele CA364739509.

ClinVar aggregate classification (germline): Uncertain significance. Review status: criteria provided, multiple submitters, no conflicts (2 of 4 stars). 2 submissions from 2 submitters: Uncertain significance (2). Last evaluated 2025-10-01.

Conditions:
Bethlem myopathy 2 (BTHLM2). Identifiers: Orphanet 536516, Orphanet 610, MedGen C4225313, MONDO:0034022, OMIM 616471.
Ullrich congenital muscular dystrophy 2 (UCMD2). Identifiers: Orphanet 75840, MedGen C4225314, MONDO:0014654, OMIM 616470.

Allele frequency attached by ClinVar (database versions not stated): gnomAD exomes 0.00001.
gnomAD v4.1: 15 of 1,561,216 alleles (0.00096%); highest among the groups gnomAD compares: Non-Finnish European, 0.0013%; no homozygotes.

Submissions (2):

Labcorp Genetics (formerly Invitae), Labcorp
Classification: Uncertain significance for Bethlem myopathy 2; Ullrich congenital muscular dystrophy 2. Last evaluated: 2025-10-01. Review status: criteria provided, single submitter. Criteria: Invitae Variant Classification Sherloc (09022015). Collection method: clinical testing. Allele origin: germline.
Comment: This sequence change replaces proline, which is neutral and non-polar, with leucine, which is neutral and non-polar, at codon 2796 of the COL12A1 protein (p.Pro2796Leu). This variant is not present in population databases (gnomAD no frequency). This variant has not been reported in the literature in individuals affected with COL12A1-related conditions. ClinVar contains an entry for this variant (Variation ID: 2424096). Invitae Evidence Modeling of protein sequence and biophysical properties (such as structural, functional, and spatial information, amino acid conservation, physicochemical variation, residue mobility, and thermodynamic stability) indicates that this missense variant is not expected to disrupt COL12A1 protein function with a negative predictive value of 80%. In summary, the available evidence is currently insufficient to determine the role of this variant in disease. Therefore, it has been classified as a Variant of Uncertain Significance.

Revvity Omics, Revvity
Classification: Uncertain significance. Last evaluated: 2022-06-10. Review status: criteria provided, single submitter. Criteria: ACMG Guidelines, 2015. Collection method: clinical testing. Allele origin: germline.